The following is an entry in ClinVar:

NM_000257.4(MYH7):c.1570A>G (p.Ile524Val)

Gene: MYH7 (myosin heavy chain 7; minus strand). Cytogenetic location: 14q11.2.
Variant type: single nucleotide variant.
Coding change: c.1570A>G on transcript NM_000257.4 (MANE Select); coding-DNA position 1570, A replaced by G.
Protein change: p.Ile524Val; replaces isoleucine 524 with valine.
Molecular consequence: missense variant.
Genome position (GRCh38, 1-based): chr14:23,428,508, T>C on the plus strand (A>G on the coding strand, the complement: MYH7 is on the minus strand). VCF-style: chr14-23428508-T-C. GRCh37 (hg19) VCF-style: chr14-23897717-T-C.
Other names: short protein forms I524V.
Identifiers: ClinVar variation 177919 (VCV000177919.4), dbSNP rs727504401, ClinGen allele CA010967.

ClinVar aggregate classification (germline): Uncertain significance (1 of 4 stars; one submission).

Submission:

Laboratory for Molecular Medicine, Mass General Brigham Personalized Medicine
Classification: Uncertain significance. Last evaluated: 2015-04-08. Review status: criteria provided, single submitter. Criteria: LMM Criteria. Collection method: clinical testing. Allele origin: germline. Observed: 2 variant alleles.
Comment: Variant classified as Uncertain Significance - Favor Pathogenic. It was absent from large population studies. Isoleucine (Ile) at position 524 is highly conserved in evolution and the change to valine (Val) was predict ed to be pathogenic using a computational tool clinically validated by our labor atory. This tool's pathogenic prediction is estimated to be correct 94% of the t ime (Jordan 2011). In summary, while there is some suspicion for a pathogenic ro le, the clinical significance of the p.Ile524Val variant is uncertain.